The following is an entry in ClinVar:

ClinVar aggregate classification (germline): Pathogenic (1 of 4 stars; one submission).

Allele frequency attached by ClinVar (database versions not stated): ExAC 0.00001; TOPMed 0.00001.
gnomAD v4.1: 37 of 1,612,362 alleles (0.0023%); highest among the groups gnomAD compares: Non-Finnish European, 0.0028%; no homozygotes.

Submission:

Labcorp Genetics (formerly Invitae), Labcorp
Classification: Pathogenic. Last evaluated: 2023-07-31. Review status: criteria provided, single submitter. Criteria: Invitae Variant Classification Sherloc (09022015). Collection method: clinical testing. Allele origin: germline.
Comment: This sequence change creates a premature translational stop signal (p.Gln322*) in the SLC38A8 gene. It is expected to result in an absent or disrupted protein product. Loss-of-function variants in SLC38A8 are known to be pathogenic (PMID: 24290379). This variant is present in population databases (rs763713707, gnomAD 0.002%). This premature translational stop signal has been observed in individual(s) with clinical features of SLC38A8-related conditions (PMID: 32744312). For these reasons, this variant has been classified as Pathogenic.

Literature cited by the submitters: PubMed 24290379; PubMed 32744312.

NM_001080442.3(SLC38A8):c.964C>T (p.Gln322Ter)

Gene: SLC38A8 (solute carrier family 38 member 8; minus strand). Cytogenetic location: 16q23.3.
Variant type: single nucleotide variant.
Coding change: c.964C>T on transcript NM_001080442.3 (MANE Select); coding-DNA position 964, C replaced by T.
Protein change: p.Gln322Ter; replaces glutamine 322 with a stop codon.
Molecular consequence: nonsense.
Genome position (GRCh38, 1-based): chr16:84,016,717, G>A on the plus strand (C>T on the coding strand, the complement: SLC38A8 is on the minus strand). VCF-style: chr16-84016717-G-A. GRCh37 (hg19) VCF-style: chr16-84050322-G-A.
Other names: short protein forms Q322*.
Identifiers: ClinVar variation 2901978 (VCV002901978.3), dbSNP rs763713707, ClinGen allele CA8199856.